The following is an entry in ClinVar:

NM_152383.5(DIS3L2):c.1406C>T (p.Thr469Ile)

Gene: DIS3L2 (DIS3 like 3'-5' exoribonuclease 2; plus strand). Cytogenetic location: 2q37.1.
Variant type: single nucleotide variant.
Coding change: c.1406C>T on transcript NM_152383.5 (MANE Select); coding-DNA position 1406, C replaced by T.
Protein change: p.Thr469Ile; replaces threonine 469 with isoleucine.
Molecular consequence: missense variant. On other transcripts: non-coding transcript variant (2).
Genome position (GRCh38, 1-based): chr2:232,249,327, C>T. VCF-style: chr2-232249327-C-T. GRCh37 (hg19) VCF-style: chr2-233114037-C-T.
Other names: c.1406C>T, p.Thr469Ile (NM_001257281.2); short protein forms T469I.
Identifiers: ClinVar variation 566638 (VCV000566638.9), dbSNP rs369229385, ClinGen allele CA2164135.

ClinVar aggregate classification (germline): Uncertain significance (1 of 4 stars; one submission).

Conditions:
Perlman syndrome (PRLMNS). Identifiers: Orphanet 2849, MedGen C0796113, MONDO:0009965, OMIM 267000.

Allele frequency attached by ClinVar (database versions not stated): gnomAD exomes below 0.00001; ExAC 0.00001; gnomAD 0.00003 and 0.00004; TOPMed 0.00006; ESP Exome Variant Server 0.00008; 1000 Genomes Project 30x 0.00016; 1000 Genomes Project 0.00020.
gnomAD v4.1: 9 of 1,614,180 alleles (0.00056%); highest among the groups gnomAD compares: African/African-American, 0.011%; no homozygotes.

Submission:

Labcorp Genetics (formerly Invitae), Labcorp
Classification: Uncertain significance for Perlman syndrome. Last evaluated: 2024-10-31. Review status: criteria provided, single submitter. Criteria: Invitae Variant Classification Sherloc (09022015). Collection method: clinical testing. Allele origin: germline.
Comment: This sequence change replaces threonine, which is neutral and polar, with isoleucine, which is neutral and non-polar, at codon 469 of the DIS3L2 protein (p.Thr469Ile). This variant is present in population databases (rs369229385, gnomAD 0.007%). This variant has not been reported in the literature in individuals affected with DIS3L2-related conditions. ClinVar contains an entry for this variant (Variation ID: 566638). Invitae Evidence Modeling of protein sequence and biophysical properties (such as structural, functional, and spatial information, amino acid conservation, physicochemical variation, residue mobility, and thermodynamic stability) indicates that this missense variant is not expected to disrupt DIS3L2 protein function with a negative predictive value of 80%. In summary, the available evidence is currently insufficient to determine the role of this variant in disease. Therefore, it has been classified as a Variant of Uncertain Significance.